The following is an entry in ClinVar:

NM_182914.3(SYNE2):c.5410A>G (p.Ile1804Val)

Gene: SYNE2 (spectrin repeat containing nuclear envelope protein 2; plus strand). Cytogenetic location: 14q23.2.
Variant type: single nucleotide variant.
Coding change: c.5410A>G on transcript NM_182914.3 (MANE Select); coding-DNA position 5410, A replaced by G.
Protein change: p.Ile1804Val; replaces isoleucine 1804 with valine.
Molecular consequence: missense variant.
Genome position (GRCh38, 1-based): chr14:64,021,914, A>G. VCF-style: chr14-64021914-A-G. GRCh37 (hg19) VCF-style: chr14-64488632-A-G.
Other names: c.5410A>G, p.Ile1804Val (NM_015180.6); short protein forms I1804V.
Identifiers: ClinVar variation 1485103 (VCV001485103.8), dbSNP rs755788132, ClinGen allele CA7220456.

ClinVar aggregate classification (germline): Uncertain significance (1 of 4 stars; one submission).

Conditions:
Emery-Dreifuss muscular dystrophy 5, autosomal dominant (EDMD5). Also called: EMERY-DREIFUSS MUSCULAR DYSTROPHY 5. Identifiers: Orphanet 261, MedGen C2751805, MONDO:0013072, OMIM 612999.

Allele frequency attached by ClinVar (database versions not stated): gnomAD 0.00001; TOPMed 0.00001; gnomAD exomes 0.00002 and 0.00006; ExAC 0.00005.
gnomAD v4.1: 15 of 1,613,910 alleles (0.00093%); highest among the groups gnomAD compares: Admixed American, 0.025%; no homozygotes.

Submission:

Labcorp Genetics (formerly Invitae), Labcorp
Classification: Uncertain significance for Emery-Dreifuss muscular dystrophy 5, autosomal dominant. Last evaluated: 2022-10-17. Review status: criteria provided, single submitter. Criteria: Invitae Variant Classification Sherloc (09022015). Collection method: clinical testing. Allele origin: germline.
Comment: This sequence change replaces isoleucine, which is neutral and non-polar, with valine, which is neutral and non-polar, at codon 1804 of the SYNE2 protein (p.Ile1804Val). This variant is present in population databases (rs755788132, gnomAD 0.04%), and has an allele count higher than expected for a pathogenic variant. This variant has not been reported in the literature in individuals affected with SYNE2-related conditions. ClinVar contains an entry for this variant (Variation ID: 1485103). Algorithms developed to predict the effect of missense changes on protein structure and function (SIFT, PolyPhen-2, Align-GVGD) all suggest that this variant is likely to be tolerated. In summary, the available evidence is currently insufficient to determine the role of this variant in disease. Therefore, it has been classified as a Variant of Uncertain Significance.